The following is an entry in ClinVar:

NM_001199267.2(DGKZ):c.536G>A (p.Arg179His)

Genes: DGKZ (diacylglycerol kinase zeta; plus strand), LOC126861204 (CDK7 strongly-dependent group 2 enhancer GRCh37_chr11:46390736-46391935; plus strand). Cytogenetic location: 11p11.2.
Variant type: single nucleotide variant.
Coding change: c.536G>A on transcript NM_001199267.2 (MANE Select); coding-DNA position 536, G replaced by A.
Protein change: p.Arg179His; replaces arginine 179 with histidine.
Molecular consequence: missense variant. On other transcripts: intron variant (1).
Genome position (GRCh38, 1-based): chr11:46,369,978, G>A. VCF-style: chr11-46369978-G-A. GRCh37 (hg19) VCF-style: chr11-46391528-G-A.
Other names: c.1103G>A, p.Arg368His (NM_001105540.2); c.539G>A, p.Arg180His (NM_001199266.2, NM_003646.4); c.587G>A, p.Arg196His (NM_201532.3); c.551G>A, p.Arg184His (NM_201533.3); c.501+428G>A (NM_001199268.2); short protein forms R179H, R180H, R368H, R184H, R196H.
Identifiers: ClinVar variation 1932771 (VCV001932771.5), dbSNP rs1275686839, ClinGen allele CA380216169.

ClinVar aggregate classification (germline): Uncertain significance (1 of 4 stars; one submission).

Allele frequency attached by ClinVar (database versions not stated): gnomAD 0.00001; TOPMed 0.00002; gnomAD exomes 0.00003.
gnomAD v4.1: 53 of 1,613,632 alleles (0.0033%); highest among the groups gnomAD compares: Non-Finnish European, 0.0042%; no homozygotes.

Submission:

Labcorp Genetics (formerly Invitae), Labcorp
Classification: Uncertain significance. Last evaluated: 2022-06-23. Review status: criteria provided, single submitter. Criteria: Invitae Variant Classification Sherloc (09022015). Collection method: clinical testing. Allele origin: germline.
Comment: This sequence change replaces arginine, which is basic and polar, with histidine, which is basic and polar, at codon 368 of the DGKZ protein (p.Arg368His). In summary, the available evidence is currently insufficient to determine the role of this variant in disease. Therefore, it has been classified as a Variant of Uncertain Significance. Algorithms developed to predict the effect of missense changes on protein structure and function are either unavailable or do not agree on the potential impact of this missense change (SIFT: "Tolerated"; PolyPhen-2: "Possibly Damaging"; Align-GVGD: "Class C0"). This variant has not been reported in the literature in individuals affected with DGKZ-related conditions. This variant is not present in population databases (gnomAD no frequency).